The following is an entry in ClinVar:

GRCh38/hg38 11p15.5-15.4(chr11:1975511-3624139)x1

Genes: ASCL2 (achaete-scute family bHLH transcription factor 2; minus strand), C11orf21 (chromosome 11 open reading frame 21; minus strand), CARS1 (cysteinyl-tRNA synthetase 1; minus strand), CARS1-AS1 (CARS1 antisense RNA 1; plus strand), CD81 (CD81 molecule; plus strand) and 80 more. Cytogenetic location: 11p15.5-15.4.
Variant type: copy number loss.
Change: copy number 1 (one copy instead of two) of chr11:1,975,511-3,624,139 (1.65 Mb, GRCh38 coordinates, 1-based), cytogenetic band 11p15.5-15.4.
Identifiers: ClinVar variation 147964 (VCV000147964.4).

ClinVar aggregate classification (germline): no classifications from unflagged records (0 of 4 stars; one submission).

Submission:

ISCA site 1
Classification: Uncertain significance. Last evaluated: 2018-02-16. Review status: flagged submission. Collection method: clinical testing. Allele origin: unknown. Affected: yes. Observed: 1 variant allele.
Comment: Copy number variation identified through the course of routine clinical cytogenomic testing in postnatal populations, with clinical assertions as classified by the original submitter. For data from the original published study, Kaminsky, et al. 2011 (PubMed 21844811), please see nstd101.
ClinVar note: Notes: This submission was flagged because its interpretation of this variant conflicts with the ClinGen Gene Dosage Map curations for the following genes: KCNQ1 CDKN1C.
ClinVar note: Reason: Conflict with ClinGen Gene Dosage Map